The following is an entry in ClinVar:

ClinVar aggregate classification (germline): Benign/Likely benign. Review status: criteria provided, multiple submitters, no conflicts (2 of 4 stars). 5 submissions from 5 submitters: Benign (1); Likely benign (4). Last evaluated 2025-03-04.

Conditions:
Juvenile polyposis syndrome (JPS). Identifiers: Orphanet 2929, MedGen C0345893, MONDO:0017380, OMIM 174900.
Hereditary cancer-predisposing syndrome. Also called: Tumor predisposition; Neoplastic Syndromes, Hereditary; Hereditary neoplastic syndrome; Hereditary Cancer Syndrome. Identifiers: Orphanet 140162, MedGen C0027672, MeSH D009386, MONDO:0015356.

Allele frequency attached by ClinVar (database versions not stated): gnomAD exomes below 0.00001; gnomAD 0.00001.
gnomAD v4.1: 2 of 1,614,242 alleles (0.00012%); highest among the groups gnomAD compares: South Asian, 0.0011%; no homozygotes.

Submissions (5):

Center for Genomic Medicine, Rigshospitalet, Copenhagen University Hospital
Classification: Likely benign. Last evaluated: 2025-03-04. Review status: criteria provided, single submitter. Criteria: ACMG Guidelines, 2015. Collection method: clinical testing. Allele origin: germline.

Blueprint Genetics
Classification: Likely benign. Last evaluated: 2024-11-15. Review status: criteria provided, single submitter. Criteria: ACMG Guidelines, 2015. Collection method: clinical testing. Allele origin: germline.

Ambry Genetics
Classification: Likely benign for Hereditary cancer-predisposing syndrome. Last evaluated: 2024-09-15. Review status: criteria provided, single submitter. Criteria: Ambry Variant Classification Scheme 2023. Collection method: clinical testing. Allele origin: germline.

Myriad Genetics, Inc.
Classification: Benign for Juvenile polyposis syndrome. Last evaluated: 2024-08-01. Review status: criteria provided, single submitter. Criteria: Myriad Autosomal Dominant, Autosomal Recessive and X-Linked Classification Criteria (2023). Collection method: clinical testing. Allele origin: unknown.
Comment: This variant is considered benign. This variant is a silent/synonymous amino acid change and it is not expected to impact splicing.

Labcorp Genetics (formerly Invitae), Labcorp
Classification: Likely benign for Juvenile polyposis syndrome. Last evaluated: 2024-07-20. Review status: criteria provided, single submitter. Criteria: Invitae Variant Classification Sherloc (09022015). Collection method: clinical testing. Allele origin: germline.

NM_004329.3(BMPR1A):c.384T>C (p.Asn128=)

Gene: BMPR1A (bone morphogenetic protein receptor type 1A; plus strand). Cytogenetic location: 10q23.2.
Variant type: single nucleotide variant.
Coding change: c.384T>C on transcript NM_004329.3 (MANE Select); coding-DNA position 384, T replaced by C.
Protein change: p.Asn128=; no amino-acid change (asparagine 128 retained).
Molecular consequence: synonymous variant.
Genome position (GRCh38, 1-based): chr10:86,899,844, T>C. VCF-style: chr10-86899844-T-C. GRCh37 (hg19) VCF-style: chr10-88659601-T-C.
Other names: c.384T>C (NM_004329.2).
Identifiers: ClinVar variation 1605620 (VCV001605620.12), dbSNP rs2133454210, ClinGen allele CA470306548.